The following is an entry in ClinVar:

NM_001349253.2(SCN11A):c.264T>G (p.His88Gln)

Gene: SCN11A (sodium voltage-gated channel alpha subunit 11; minus strand). Cytogenetic location: 3p22.2.
Variant type: single nucleotide variant.
Coding change: c.264T>G on transcript NM_001349253.2 (MANE Select); coding-DNA position 264, T replaced by G.
Protein change: p.His88Gln; replaces histidine 88 with glutamine.
Molecular consequence: missense variant.
Genome position (GRCh38, 1-based): chr3:38,950,099, A>C on the plus strand (T>G on the coding strand, the complement: SCN11A is on the minus strand). VCF-style: chr3-38950099-A-C. GRCh37 (hg19) VCF-style: chr3-38991590-A-C.
Other names: c.264T>G, p.His88Gln (NM_014139.3); short protein forms H88Q.
Identifiers: ClinVar variation 1431384 (VCV001431384.8), dbSNP rs780622265, ClinGen allele CA2322743.

ClinVar aggregate classification (germline): Uncertain significance (1 of 4 stars; one submission).

Conditions:
Hereditary sensory and autonomic neuropathy type 7. Also called: Neuropathy, hereditary sensory and autonomic, type VII; HSAN VII. Identifiers: Orphanet 391397, MedGen C3809882, MONDO:0014244, OMIM 615548.
Familial episodic pain syndrome with predominantly lower limb involvement. Also called: Episodic pain syndrome, familial, 3. Identifiers: Orphanet 391384, Orphanet 391392, MedGen C3809899, MONDO:0014247, OMIM 615552.

Allele frequency attached by ClinVar (database versions not stated): gnomAD exomes below 0.00001; ExAC 0.00001.
gnomAD v4.1: 2 of 785,228 alleles (0.00025%); highest among the groups gnomAD compares: Non-Finnish European, 0.00018%; no homozygotes.

Submission:

Labcorp Genetics (formerly Invitae), Labcorp
Classification: Uncertain significance for Familial episodic pain syndrome with predominantly lower limb involvement; Hereditary sensory and autonomic neuropathy type 7. Last evaluated: 2025-09-21. Review status: criteria provided, single submitter. Criteria: Invitae Variant Classification Sherloc (09022015). Collection method: clinical testing. Allele origin: germline.
Comment: This sequence change replaces histidine, which is basic and polar, with glutamine, which is neutral and polar, at codon 88 of the SCN11A protein (p.His88Gln). This variant is present in population databases (rs780622265, gnomAD 0.004%). This variant has not been reported in the literature in individuals affected with SCN11A-related conditions. ClinVar contains an entry for this variant (Variation ID: 1431384). Invitae Evidence Modeling of protein sequence and biophysical properties (such as structural, functional, and spatial information, amino acid conservation, physicochemical variation, residue mobility, and thermodynamic stability) indicates that this missense variant is not expected to disrupt SCN11A protein function with a negative predictive value of 80%. In summary, the available evidence is currently insufficient to determine the role of this variant in disease. Therefore, it has been classified as a Variant of Uncertain Significance.